The following is an entry in ClinVar:

NM_001145475.3(FAM186A):c.6520C>T (p.Arg2174Ter)

Gene: FAM186A (family with sequence similarity 186 member A; minus strand). Cytogenetic location: 12q13.12.
Variant type: single nucleotide variant.
Coding change: c.6520C>T on transcript NM_001145475.3 (MANE Select); coding-DNA position 6520, C replaced by T.
Protein change: p.Arg2174Ter; replaces arginine 2174 with a stop codon.
Molecular consequence: nonsense.
Genome position (GRCh38, 1-based): chr12:50,334,087, G>A on the plus strand (C>T on the coding strand, the complement: FAM186A is on the minus strand). VCF-style: chr12-50334087-G-A. GRCh37 (hg19) VCF-style: chr12-50727870-G-A.
Other names: short protein forms R2174*.
Identifiers: ClinVar variation 3387945 (VCV003387945.14).

ClinVar aggregate classification (germline): Likely benign (1 of 4 stars; one submission).

gnomAD v4.1: 14,058 of 1,543,834 alleles (0.91%); highest among the groups gnomAD compares: Non-Finnish European, 0.88%; 122 homozygotes.

Submission:

CeGaT Center for Human Genetics Tuebingen
Classification: Likely benign. Last evaluated: 2026-04-01. Review status: criteria provided, single submitter. Criteria: CeGaT Center For Human Genetics Tuebingen Variant Classification Criteria Version 2. Collection method: clinical testing. Allele origin: germline. Affected: yes. Observed: 3 variant alleles.
Comment: FAM186A: BS2